The following is an entry in ClinVar:

NM_001369.3(DNAH5):c.5147G>T (p.Arg1716Leu)

Gene: DNAH5 (dynein axonemal heavy chain 5; minus strand). Cytogenetic location: 5p15.2.
Variant type: single nucleotide variant.
Coding change: c.5147G>T on transcript NM_001369.3 (MANE Select); coding-DNA position 5147, G replaced by T.
Protein change: p.Arg1716Leu; replaces arginine 1716 with leucine.
Molecular consequence: missense variant.
Genome position (GRCh38, 1-based): chr5:13,844,961, C>A on the plus strand (G>T on the coding strand, the complement: DNAH5 is on the minus strand). VCF-style: chr5-13844961-C-A. GRCh37 (hg19) VCF-style: chr5-13845070-C-A.
Other names: short protein forms R1716L.
Identifiers: ClinVar variation 1458963 (VCV001458963.8), dbSNP rs74799487, ClinGen allele CA113954672.

ClinVar aggregate classification (germline): Pathogenic (1 of 4 stars; one submission).

Conditions:
Primary ciliary dyskinesia. Also called: Ciliary dyskinesia. Identifiers: Orphanet 244, MedGen C0008780, MONDO:0016575, HP:0012265.

Submission:

Labcorp Genetics (formerly Invitae), Labcorp
Classification: Pathogenic for Primary ciliary dyskinesia. Last evaluated: 2020-12-29. Review status: criteria provided, single submitter. Criteria: Invitae Variant Classification Sherloc (09022015). Collection method: clinical testing. Allele origin: germline.
Comment: Advanced modeling of protein sequence and biophysical properties (such as structural, functional, and spatial information, amino acid conservation, physicochemical variation, residue mobility, and thermodynamic stability) performed at Invitae indicates that this missense variant is expected to disrupt DNAH5 protein function. For these reasons, this variant has been classified as Pathogenic. This variant disrupts the p.Arg1716 amino acid residue in DNAH5. Other variant(s) that disrupt this residue have been determined to be pathogenic (PMID: 30067075, Invitae). This suggests that this residue is clinically significant, and that variants that disrupt this residue are likely to be disease-causing. This variant has been observed in individual(s) with primary ciliary dyskinesia (PMID: 16627867). In at least one individual the data is consistent with the variant being in trans (on the opposite chromosome) from a pathogenic variant. This variant is not present in population databases (ExAC no frequency). This sequence change replaces arginine with leucine at codon 1716 of the DNAH5 protein (p.Arg1716Leu). The arginine residue is highly conserved and there is a moderate physicochemical difference between arginine and leucine.

Literature cited by the submitters: PubMed 30067075; PubMed 16627867.